The following is an entry in ClinVar:

ClinVar aggregate classification (germline): Uncertain significance (1 of 4 stars; one submission).

Conditions:
Inborn genetic diseases. Identifiers: MedGen C0950123, MeSH D030342.

Submission:

Ambry Genetics
Classification: Uncertain significance for Inborn genetic diseases. Last evaluated: 2025-09-20. Review status: criteria provided, single submitter. Criteria: Ambry Variant Classification Scheme 2023. Collection method: clinical testing. Allele origin: germline.
Comment: The p.A1207T variant (also known as c.3619G>A), located in coding exon 21 of the RECQL4 gene, results from a G to A substitution at nucleotide position 3619. The alanine at codon 1207 is replaced by threonine, an amino acid with similar properties. This amino acid position is conserved. Based on the available evidence, the clinical significance of this variant remains unclear.

NM_004260.4(RECQL4):c.3619G>A (p.Ala1207Thr)

Gene: RECQL4 (RecQ like helicase 4; minus strand). Cytogenetic location: 8q24.3.
Variant type: single nucleotide variant.
Coding change: c.3619G>A on transcript NM_004260.4 (MANE Select); coding-DNA position 3619, G replaced by A.
Protein change: p.Ala1207Thr; replaces alanine 1207 with threonine.
Molecular consequence: missense variant. On other transcripts: non-coding transcript variant (3).
Genome position (GRCh38, 1-based): chr8:144,511,439, C>T on the plus strand (G>A on the coding strand, the complement: RECQL4 is on the minus strand). VCF-style: chr8-144511439-C-T. GRCh37 (hg19) VCF-style: chr8-145736822-C-T.
Other names: c.3325G>A, p.Ala1109Thr (NM_001413017.1); c.3421G>A, p.Ala1141Thr (NM_001413018.1); c.3694G>A, p.Ala1232Thr (NM_001413019.1); c.3523G>A, p.Ala1175Thr (NM_001413020.1); c.2548G>A, p.Ala850Thr (NM_001413021.1, NM_001413022.1, NM_001413024.1 and 4 more transcripts); c.2623G>A, p.Ala875Thr (NM_001413023.1); c.3490G>A, p.Ala1164Thr (NM_001413025.1); c.2482G>A, p.Ala828Thr (NM_001413027.1, NM_001413030.1, NM_001413032.1); and 9 more; short protein forms A1141T, A1163T, A1207T, A853T, A875T, A1175T, A840T, A718T.
Identifiers: ClinVar variation 4628928 (VCV004628928.1).